The following is an entry in ClinVar:

NM_001130438.3(SPTAN1):c.6169A>G (p.Lys2057Glu)

Gene: SPTAN1 (spectrin alpha, non-erythrocytic 1; plus strand). Cytogenetic location: 9q34.11.
Variant type: single nucleotide variant.
Coding change: c.6169A>G on transcript NM_001130438.3 (MANE Select); coding-DNA position 6169, A replaced by G.
Protein change: p.Lys2057Glu; replaces lysine 2057 with glutamic acid.
Molecular consequence: missense variant.
Genome position (GRCh38, 1-based): chr9:128,625,868, A>G. VCF-style: chr9-128625868-A-G. GRCh37 (hg19) VCF-style: chr9-131388147-A-G.
Other names: c.6094A>G, p.Lys2032Glu (NM_001195532.2); c.6169A>G, p.Lys2057Glu (NM_001363759.2, NM_001375310.1, NM_001375311.2 and 1 more transcripts); c.6109A>G, p.Lys2037Glu (NM_001363765.2, NM_001375314.2); c.6205A>G, p.Lys2069Glu (NM_001375312.2, NM_001375318.1); c.6154A>G, p.Lys2052Glu (NM_003127.4); short protein forms K2037E, K2032E, K2069E, K2052E, K2057E.
Identifiers: ClinVar variation 2836658 (VCV002836658.3), dbSNP rs2542189960, ClinGen allele CA375086691.
Genomic context (GRCh38, chr9:128,625,868, plus strand): 5'-GGCATTGCCAACATCACTGCCCTCAAAGATCAGCTTCTCGCCGCCAAACACGTTCAGTCC[A>G]AGGCCATCGAGGCCCGGCACGCCTCCCTCATGAAGAGGTGGAGCCAGCTTCTGGCCAACT-3'
Protein context (NP_001123910.1, residues 2047-2067): QLLAAKHVQS[Lys2057Glu]AIEARHASLM

ClinVar aggregate classification (germline): Uncertain significance (1 of 4 stars; one submission).

Conditions:
Early-infantile DEE. Also called: Early infantile epileptic encephalopathy; Early infantile epileptic encephalopathy with suppression bursts; Ohtahara syndrome. Identifiers: Orphanet 1934, MedGen C0393706, MONDO:0800491.

Allele frequency attached by ClinVar (database versions not stated): gnomAD exomes below 0.00001.
gnomAD v4.1: 1 of 1,614,178 alleles (0.000062%); highest among the groups gnomAD compares: African/African-American, 0.0013%; no homozygotes.

Submission:

Labcorp Genetics (formerly Invitae), Labcorp
Classification: Uncertain significance for Early-infantile DEE. Last evaluated: 2023-02-13. Review status: criteria provided, single submitter. Criteria: Invitae Variant Classification Sherloc (09022015). Collection method: clinical testing. Allele origin: germline.
Comment: This sequence change replaces lysine, which is basic and polar, with glutamic acid, which is acidic and polar, at codon 2057 of the SPTAN1 protein (p.Lys2057Glu). This variant is not present in population databases (gnomAD no frequency). This variant has not been reported in the literature in individuals affected with SPTAN1-related conditions. Algorithms developed to predict the effect of missense changes on protein structure and function (SIFT, PolyPhen-2, Align-GVGD) all suggest that this variant is likely to be tolerated. In summary, the available evidence is currently insufficient to determine the role of this variant in disease. Therefore, it has been classified as a Variant of Uncertain Significance.